The following is an entry in ClinVar:

NM_020366.4(RPGRIP1):c.1767G>T (p.Gln589His)

Gene: RPGRIP1 (RPGR interacting protein 1; plus strand). Cytogenetic location: 14q11.2.
Variant type: single nucleotide variant.
Coding change: c.1767G>T on transcript NM_020366.4 (MANE Select); coding-DNA position 1767, G replaced by T.
Protein change: p.Gln589His; replaces glutamine 589 with histidine.
Molecular consequence: missense variant. On other transcripts: intron variant (3).
Genome position (GRCh38, 1-based): chr14:21,324,622, G>T. VCF-style: chr14-21324622-G-T. GRCh37 (hg19) VCF-style: chr14-21792781-G-T.
Other names: c.693G>T, p.Gln231His (NM_001377948.1, NM_001377949.1); c.688+2618G>T (NM_001377523.1, NM_001377950.1); c.190+2618G>T (NM_001377951.1); short protein forms Q589H, Q231H.
Identifiers: ClinVar variation 381682 (VCV000381682.62), dbSNP rs34067949, ClinGen allele CA7089091.

ClinVar aggregate classification (germline): Conflicting classifications of pathogenicity. Review status: criteria provided, conflicting classifications (1 of 4 stars). 10 submissions from 9 submitters: Uncertain significance (1); Benign (3); Likely benign (6). Last evaluated 2026-01-29.

Conditions:
Retinal dystrophy. Also called: Inherited retinal dystrophy. Identifiers: Orphanet 71862, MedGen C0854723, MeSH D058499, MONDO:0019118, HP:0000556.
Inborn genetic diseases. Identifiers: MedGen C0950123, MeSH D030342.
Leber congenital amaurosis 6 (LCA6). Identifiers: Orphanet 65, MedGen C1854260, MONDO:0013446, OMIM 613826.
Cone-rod dystrophy 13 (CORD13). Identifiers: Orphanet 1872, MedGen C2750720, MONDO:0011987, OMIM 608194.

Allele frequency attached by ClinVar (database versions not stated): 1000 Genomes Project 30x 0.00141; 1000 Genomes Project 0.00160; gnomAD exomes 0.00287 and 0.00504; ExAC 0.00305; TOPMed 0.00343; gnomAD 0.00344 and 0.00345; ESP Exome Variant Server 0.00430.
gnomAD v4.1: 7,835 of 1,612,740 alleles (0.49%); highest among the groups gnomAD compares: Middle Eastern, 0.66%; 23 homozygotes.

Submissions (10):

Labcorp Genetics (formerly Invitae), Labcorp
Classification: Benign for Leber congenital amaurosis 6; Cone-rod dystrophy 13. Last evaluated: 2026-01-29. Review status: criteria provided, single submitter. Criteria: Invitae Variant Classification Sherloc (09022015). Collection method: clinical testing. Allele origin: germline.

Ambry Genetics
Classification: Uncertain significance for Inborn genetic diseases. Last evaluated: 2026-01-09. Review status: criteria provided, single submitter. Criteria: Ambry Variant Classification Scheme 2023. Collection method: clinical testing. Allele origin: germline.

Blueprint Genetics
Classification: Likely benign. Last evaluated: 2024-11-19. Review status: criteria provided, single submitter. Criteria: ACMG Guidelines, 2015. Collection method: clinical testing. Allele origin: germline.

CeGaT Center for Human Genetics Tuebingen
Classification: Likely benign. Last evaluated: 2024-09-01. Review status: criteria provided, single submitter. Criteria: CeGaT Center For Human Genetics Tuebingen Variant Classification Criteria Version 2. Collection method: clinical testing. Allele origin: germline. Affected: yes. Observed: 5 variant alleles.
Comment: RPGRIP1: BS2

Institute of Human Genetics, Univ. Regensburg, Univ. Regensburg
Classification: Likely benign for Retinal dystrophy. Last evaluated: 2019-01-01. Review status: criteria provided, single submitter. Criteria: ACMG Guidelines, 2015. Collection method: clinical testing. Allele origin: germline. Affected: yes.

Illumina Laboratory Services, Illumina
Classification: Likely benign for Leber congenital amaurosis 6. Last evaluated: 2017-04-27. Review status: criteria provided, single submitter. Criteria: ICSL Variant Classification Criteria 13 December 2019. Collection method: clinical testing. Allele origin: germline.
Comment: This variant was observed as part of a predisposition screen in an ostensibly healthy population. A literature search was performed for the gene, cDNA change, and amino acid change (where applicable). No publications were found based on this search. Allele frequency data from public databases allowed determination this variant is unlikely to cause disease. Therefore, this variant is classified as likely benign.

Illumina Laboratory Services, Illumina
Classification: Likely benign for Cone-rod dystrophy 13. Last evaluated: 2017-04-27. Review status: criteria provided, single submitter. Criteria: ICSL Variant Classification Criteria 13 December 2019. Collection method: clinical testing. Allele origin: germline.
Comment: the same text as in the submission from Illumina Laboratory Services, Illumina above.

Eurofins Ntd Llc (ga)
Classification: Benign. Last evaluated: 2016-12-08. Review status: criteria provided, single submitter. Criteria: EGL Classification Definitions 2015. Collection method: clinical testing. Allele origin: germline. Observed: 2 variant alleles, 2 heterozygotes.

GeneDx
Classification: Benign. Last evaluated: 2016-12-06. Review status: criteria provided, single submitter. Criteria: GeneDx Variant Classification (06012015). Collection method: clinical testing. Allele origin: germline. Affected: yes.
Comment: This variant is considered likely benign or benign based on one or more of the following criteria: it is a conservative change, it occurs at a poorly conserved position in the protein, it is predicted to be benign by multiple in silico algorithms, and/or has population frequency not consistent with disease.

Breakthrough Genomics
Classification: Likely benign. Review status: criteria provided, single submitter. Criteria: ACMG Guidelines, 2015. Collection method: not provided. Allele origin: germline. Inheritance: Autosomal recessive inheritance. Affected: yes.

Literature cited by the submitters: PubMed 16123401 (cited by Institute of Human Genetics, Univ. Regensburg, Univ. Regensburg); PubMed 21224891 (cited by Institute of Human Genetics, Univ. Regensburg, Univ. Regensburg); PubMed 24265693 (cited by Institute of Human Genetics, Univ. Regensburg, Univ. Regensburg).